The following is an entry in ClinVar:

ClinVar aggregate classification (germline): Uncertain significance. Review status: criteria provided, multiple submitters, no conflicts (2 of 4 stars). 2 submissions from 2 submitters: Uncertain significance (2). Last evaluated 2024-07-25.

Conditions:
Cohen syndrome (COH1). Also called: Cutis verticis gyrata, retinitis pigmentosa, and sensorineural deafness; PEPPER SYNDROME. Identifiers: Orphanet 193, MedGen C0265223, MONDO:0008999, OMIM 216550.

Allele frequency attached by ClinVar (database versions not stated): ExAC 0.00001; gnomAD exomes 0.00001; 1000 Genomes Project 30x 0.00031; 1000 Genomes Project 0.00040.
gnomAD v4.1: 7 of 1,613,838 alleles (0.00043%); highest among the groups gnomAD compares: East Asian, 0.016%; no homozygotes.

Submissions (2):

Labcorp Genetics (formerly Invitae), Labcorp
Classification: Uncertain significance for Cohen syndrome. Last evaluated: 2024-07-25. Review status: criteria provided, single submitter. Criteria: Invitae Variant Classification Sherloc (09022015). Collection method: clinical testing. Allele origin: germline.
Comment: This sequence change replaces leucine, which is neutral and non-polar, with valine, which is neutral and non-polar, at codon 1738 of the VPS13B protein (p.Leu1738Val). This variant is not present in population databases (gnomAD no frequency). This variant has not been reported in the literature in individuals affected with VPS13B-related conditions. ClinVar contains an entry for this variant (Variation ID: 909332). Advanced modeling of protein sequence and biophysical properties (such as structural, functional, and spatial information, amino acid conservation, physicochemical variation, residue mobility, and thermodynamic stability) performed at Invitae indicates that this missense variant is expected to disrupt VPS13B protein function with a positive predictive value of 80%. In summary, the available evidence is currently insufficient to determine the role of this variant in disease. Therefore, it has been classified as a Variant of Uncertain Significance.

Illumina Laboratory Services, Illumina
Classification: Uncertain significance for Cohen syndrome. Last evaluated: 2018-01-12. Review status: criteria provided, single submitter. Criteria: ICSL Variant Classification Criteria 13 December 2019. Collection method: clinical testing. Allele origin: germline.

NM_152564.5(VPS13B):c.5137C>G (p.Leu1713Val)

Gene: VPS13B (vacuolar protein sorting 13 homolog B; plus strand). Cytogenetic location: 8q22.2.
Variant type: single nucleotide variant.
Coding change: c.5137C>G on transcript NM_152564.5 (MANE Select); coding-DNA position 5137, C replaced by G.
Protein change: p.Leu1713Val; replaces leucine 1713 with valine.
Molecular consequence: missense variant.
Genome position (GRCh38, 1-based): chr8:99,577,550, C>G. VCF-style: chr8-99577550-C-G. GRCh37 (hg19) VCF-style: chr8-100589778-C-G.
Other names: c.5212C>G, p.Leu1738Val (NM_017890.5); short protein forms L1713V, L1738V.
Identifiers: ClinVar variation 909332 (VCV000909332.6), dbSNP rs187596259, ClinGen allele CA4823758.